The following is an entry in ClinVar:

NM_000384.3(APOB):c.10972C>T (p.His3658Tyr)

Gene: APOB (apolipoprotein B; minus strand). Cytogenetic location: 2p24.1.
Variant type: single nucleotide variant.
Coding change: c.10972C>T on transcript NM_000384.3 (MANE Select); coding-DNA position 10972, C replaced by T.
Protein change: p.His3658Tyr; replaces histidine 3658 with tyrosine.
Molecular consequence: missense variant.
Genome position (GRCh38, 1-based): chr2:21,005,896, G>A on the plus strand (C>T on the coding strand, the complement: APOB is on the minus strand). VCF-style: chr2-21005896-G-A. GRCh37 (hg19) VCF-style: chr2-21228768-G-A.
Other names: short protein forms H3658Y.
Identifiers: ClinVar variation 3932846 (VCV003932846.2).

ClinVar aggregate classification (germline): Conflicting classifications of pathogenicity. Review status: criteria provided, conflicting classifications (1 of 4 stars). 2 submissions from 2 submitters: Uncertain significance (1); Likely benign (1). Last evaluated 2026-01-17.

Conditions:
Cardiovascular phenotype. Identifiers: MedGen CN230736.
Familial hypobetalipoproteinemia 1. Also called: APOB-Related Familial Hypobetalipoproteinemia; Hypobetalipoproteinemia, normotriglyceridemic; Acanthocytosis with hypobetalipoproteinemia. Identifiers: MedGen C4551990, MONDO:0014252, OMIM 615558.
Hypercholesterolemia, autosomal dominant, type B (FHCL2). Also called: APOB-Related Familial Hypercholesterolemia, Autosomal Dominant; Familial Hypercholesterolemia Type B; APOLIPOPROTEIN B-100, FAMILIAL DEFECTIVE; APOLIPOPROTEIN B-100, FAMILIAL LIGAND-DEFECTIVE; HYPERCHOLESTEROLEMIA, FAMILIAL, DUE TO LIGAND-DEFECTIVE APOLIPOPROTEIN B; Familial hypercholesterolemia 2. Identifiers: MedGen C1704417, MONDO:0007751, OMIM 144010.

Submissions (2):

Labcorp Genetics (formerly Invitae), Labcorp
Classification: Likely benign for Familial hypobetalipoproteinemia 1; Hypercholesterolemia, autosomal dominant, type B. Last evaluated: 2026-01-17. Review status: criteria provided, single submitter. Criteria: Invitae Variant Classification Sherloc (09022015). Collection method: clinical testing. Allele origin: germline.

Ambry Genetics
Classification: Uncertain significance for Cardiovascular phenotype. Last evaluated: 2025-04-19. Review status: criteria provided, single submitter. Criteria: Ambry Variant Classification Scheme 2023. Collection method: clinical testing. Allele origin: germline.
Comment: The p.H3658Y variant (also known as c.10972C>T), located in coding exon 26 of the APOB gene, results from a C to T substitution at nucleotide position 10972. The histidine at codon 3658 is replaced by tyrosine, an amino acid with similar properties. This amino acid position is conserved. In addition, this alteration is predicted to be tolerated by in silico analysis. Based on the available evidence, the clinical significance of this variant remains unclear.